The following is an entry in ClinVar:

NM_015041.3(CLUAP1):c.1054A>T (p.Ile352Phe)

Gene: CLUAP1 (clusterin associated protein 1; plus strand). Cytogenetic location: 16p13.3.
Variant type: single nucleotide variant.
Coding change: c.1054A>T on transcript NM_015041.3 (MANE Select); coding-DNA position 1054, A replaced by T.
Protein change: p.Ile352Phe; replaces isoleucine 352 with phenylalanine.
Molecular consequence: missense variant.
Genome position (GRCh38, 1-based): chr16:3,532,803, A>T. VCF-style: chr16-3532803-A-T. GRCh37 (hg19) VCF-style: chr16-3582803-A-T.
Other names: c.1054A>T, p.Ile352Phe (NM_001330454.2); c.556A>T, p.Ile186Phe (NM_024793.3); c.1054A>T (NM_015041.1); short protein forms I352F, I186F.
Identifiers: ClinVar variation 2079108 (VCV002079108.5), dbSNP rs762163947, ClinGen allele CA7863978.

ClinVar aggregate classification (germline): Uncertain significance. Review status: criteria provided, multiple submitters, no conflicts (2 of 4 stars). 2 submissions from 2 submitters: Uncertain significance (2). Last evaluated 2026-01-19.

Allele frequency attached by ClinVar (database versions not stated): gnomAD 0.00001; TOPMed 0.00001; ExAC 0.00002.
gnomAD v4.1: 10 of 1,613,974 alleles (0.00062%); highest among the groups gnomAD compares: Middle Eastern, 0.033%; no homozygotes.

Submissions (2):

Labcorp Genetics (formerly Invitae), Labcorp
Classification: Uncertain significance. Last evaluated: 2026-01-19. Review status: criteria provided, single submitter. Criteria: Invitae Variant Classification Sherloc (09022015). Collection method: clinical testing. Allele origin: germline.
Comment: This sequence change replaces isoleucine, which is neutral and non-polar, with phenylalanine, which is neutral and non-polar, at codon 352 of the CLUAP1 protein (p.Ile352Phe). This variant is present in population databases (rs762163947, gnomAD 0.003%). This variant has not been reported in the literature in individuals affected with CLUAP1-related conditions. ClinVar contains an entry for this variant (Variation ID: 2079108). Invitae Evidence Modeling of protein sequence and biophysical properties (such as structural, functional, and spatial information, amino acid conservation, physicochemical variation, residue mobility, and thermodynamic stability) indicates that this missense variant is not expected to disrupt CLUAP1 protein function with a negative predictive value of 80%. In summary, the available evidence is currently insufficient to determine the role of this variant in disease. Therefore, it has been classified as a Variant of Uncertain Significance.

Ambry Genetics
Classification: Uncertain significance. Last evaluated: 2025-11-13. Review status: criteria provided, single submitter. Criteria: Ambry Variant Classification Scheme 2023. Collection method: clinical testing. Allele origin: germline.